The following is an entry in ClinVar:

ClinVar aggregate classification (germline): Uncertain significance. Review status: criteria provided, multiple submitters, no conflicts (2 of 4 stars). 2 submissions from 2 submitters: Uncertain significance (2). Last evaluated 2025-03-27.

Submissions (2):

Labcorp Genetics (formerly Invitae), Labcorp
Classification: Uncertain significance. Last evaluated: 2025-03-27. Review status: criteria provided, single submitter. Criteria: Invitae Variant Classification Sherloc (09022015). Collection method: clinical testing. Allele origin: germline.
Comment: This sequence change replaces proline, which is neutral and non-polar, with leucine, which is neutral and non-polar, at codon 202 of the BCAT2 protein (p.Pro202Leu). This variant is present in population databases (rs202130376, gnomAD 0.004%). This variant has not been reported in the literature in individuals affected with BCAT2-related conditions. ClinVar contains an entry for this variant (Variation ID: 3260614). Invitae Evidence Modeling of protein sequence and biophysical properties (such as structural, functional, and spatial information, amino acid conservation, physicochemical variation, residue mobility, and thermodynamic stability) indicates that this missense variant is not expected to disrupt BCAT2 protein function with a negative predictive value of 80%. In summary, the available evidence is currently insufficient to determine the role of this variant in disease. Therefore, it has been classified as a Variant of Uncertain Significance.

Ambry Genetics
Classification: Uncertain significance. Last evaluated: 2024-05-17. Review status: criteria provided, single submitter. Criteria: Ambry Variant Classification Scheme 2023. Collection method: clinical testing. Allele origin: germline.

NM_001190.4(BCAT2):c.605C>T (p.Pro202Leu)

Gene: BCAT2 (branched chain amino acid transaminase 2; minus strand). Cytogenetic location: 19q13.33.
Variant type: single nucleotide variant.
Coding change: c.605C>T on transcript NM_001190.4 (MANE Select); coding-DNA position 605, C replaced by T.
Protein change: p.Pro202Leu; replaces proline 202 with leucine.
Molecular consequence: missense variant.
Genome position (GRCh38, 1-based): chr19:48,799,765, G>A on the plus strand (C>T on the coding strand, the complement: BCAT2 is on the minus strand). VCF-style: chr19-48799765-G-A. GRCh37 (hg19) VCF-style: chr19-49303022-G-A.
Other names: c.329C>T, p.Pro110Leu (NM_001164773.2); c.485C>T, p.Pro162Leu (NM_001284325.2); short protein forms P162L, P110L, P202L.
Identifiers: ClinVar variation 3260614 (VCV003260614.2).